The following is an entry in ClinVar:

NM_000133.4(F9):c.427C>T (p.Gln143Ter)

Gene: F9 (coagulation factor IX; plus strand). Cytogenetic location: Xq27.1.
Variant type: single nucleotide variant.
Coding change: c.427C>T on transcript NM_000133.4 (MANE Select); coding-DNA position 427, C replaced by T.
Protein change: p.Gln143Ter; replaces glutamine 143 with a stop codon.
Molecular consequence: nonsense.
Genome position (GRCh38, 1-based): chrX:139,548,398, C>T. VCF-style: chrX-139548398-C-T. GRCh37 (hg19) VCF-style: chrX-138630557-C-T.
Other names: c.313C>T, p.Gln105Ter (NM_001313913.2); short protein forms Q105*, Q143*.
Identifiers: ClinVar variation 811511 (VCV000811511.8), dbSNP rs1603265487, ClinGen allele CA414438918.

ClinVar aggregate classification (germline): Pathogenic (1 of 4 stars; one submission).

Submission:

ARUP Laboratories, Molecular Genetics and Genomics, ARUP Laboratories
Classification: Pathogenic. Last evaluated: 2019-03-06. Review status: criteria provided, single submitter. Criteria: ARUP Molecular Germline Variant Investigation Process. Collection method: clinical testing. Allele origin: germline.
Comment: The F9 c.427C>T; p.Gln143Ter variant, also known as p.Gln97Ter in alternative nomenclature, is reported in the literature in an individual affected with severe hemophilia B (Li 2000). This variant is absent from general population databases (Exome Variant Server, Genome Aggregation Database), indicating it is not a common polymorphism. This variant induces an early termination codon and is predicted to result in a truncated protein or mRNA subject to nonsense-mediated decay. Minigene splicing assays suggest this variant might also lead to exon 5 skipping, which would be predicted to disrupt the EGF2 domain important in clotting activity (Tajnik 2016). Based on available information, this variant is considered to be pathogenic. References: Li X et al. Factor IX mutations in South Africans and African Americans are compatible with primarily endogenous influences upon recent germline mutations. Hum Mutat. 2000 Oct;16(4):371. Tajnik M et al. Molecular Basis and Therapeutic Strategies to Rescue Factor IX Variants That Affect Splicing and Protein Function. PLoS Genet. 2016 May 26;12(5):e1006082.